The following is an entry in ClinVar:

NM_006311.4(NCOR1):c.4153-5T>A

Gene: NCOR1 (nuclear receptor corepressor 1; minus strand). Cytogenetic location: 17p12.
Variant type: single nucleotide variant.
Coding change: c.4153-5T>A on transcript NM_006311.4 (MANE Select); 5 bases into the intron before coding-DNA position 4153, T replaced by A.
Molecular consequence: intron variant.
Genome position (GRCh38, 1-based): chr17:16,070,530, A>T on the plus strand (T>A on the coding strand, the complement: NCOR1 is on the minus strand). VCF-style: chr17-16070530-A-T. GRCh37 (hg19) VCF-style: chr17-15973844-A-T.
Other names: NC_000017.10:g.15973844A>T; c.4201-5T>A (NM_001439115.1, NM_001190440.2); c.4375-5T>A (NM_001439111.1); c.4156-5T>A (NM_001439116.1); c.4204-5T>A (NM_001439114.1); c.4228-5T>A (NM_001439113.1); c.4231-5T>A (NM_001439112.1).
Identifiers: ClinVar variation 3059996 (VCV003059996.3), dbSNP rs12942295, ClinGen allele CA8408568.

ClinVar aggregate classification (germline): Benign (0 of 4 stars; one submission).

Conditions:
NCOR1-related disorder. Also called: NCOR1-related condition.

Allele frequency attached by ClinVar (database versions not stated): 1000 Genomes Project 0.35164; 1000 Genomes Project 30x 0.35322; TOPMed 0.44785; ExAC 0.45774; gnomAD 0.46159; ESP Exome Variant Server 0.47447; gnomAD exomes 0.50798.
gnomAD v4.1: 810,957 of 1,611,370 alleles (50%); highest among the groups gnomAD compares: Middle Eastern, 56%; 210,481 homozygotes.

Submissions (3):

PreventionGenetics, part of Exact Sciences
Classification: Benign for NCOR1-related condition. Last evaluated: 2019-10-17. Review status: no assertion criteria provided. Collection method: clinical testing. Allele origin: germline.
Comment: This variant is classified as benign based on ACMG/AMP sequence variant interpretation guidelines (Richards et al. 2015 PMID: 25741868, with internal and published modifications).

Dr. Peter K. Rogan Lab, Western University
No classification provided (evidence only). Condition: Familial cancer of breast. Review status: no classification provided. Collection method: in vitro. Allele origin: not applicable. Functional consequence: retained intron. Not counted in ClinVar's aggregate classification.

Dr. Peter K. Rogan Lab, Western University
No classification provided (evidence only). Condition: Familial cancer of breast. Review status: no classification provided. Collection method: in vitro. Allele origin: not applicable. Functional consequence: retained intron. Not counted in ClinVar's aggregate classification.